The following is an entry in ClinVar:

NM_016026.4(RDH11):c.673G>A (p.Val225Ile)

Genes: GPHN (gephyrin; plus strand), RDH11 (retinol dehydrogenase 11; minus strand). Cytogenetic location: 14q24.1.
Variant type: single nucleotide variant.
Coding change: c.673G>A on transcript NM_016026.4 (MANE Select); coding-DNA position 673, G replaced by A.
Protein change: p.Val225Ile; replaces valine 225 with isoleucine.
Molecular consequence: missense variant.
Genome position (GRCh38, 1-based): chr14:67,685,196, C>T on the plus strand (G>A on the coding strand, the complement: RDH11 is on the minus strand). VCF-style: chr14-67685196-C-T. GRCh37 (hg19) VCF-style: chr14-68151913-C-T.
Other names: c.463G>A, p.Val155Ile (NM_001252650.2); c.673G>A (NM_016026.3); short protein forms V155I, V225I.
Identifiers: ClinVar variation 1013999 (VCV001013999.5), dbSNP rs200511286, ClinGen allele CA7238316.

ClinVar aggregate classification (germline): Uncertain significance. Review status: criteria provided, multiple submitters, no conflicts (2 of 4 stars). 2 submissions from 2 submitters: Uncertain significance (2). Last evaluated 2025-08-22.

Allele frequency attached by ClinVar (database versions not stated): ExAC 0.00002; gnomAD 0.00002 and 0.00003; gnomAD exomes 0.00002 and 0.00004; TOPMed 0.00005; 1000 Genomes Project 0.00020; 1000 Genomes Project 30x 0.00031.
gnomAD v4.1: 37 of 1,611,036 alleles (0.0023%); highest among the groups gnomAD compares: Middle Eastern, 0.033%; no homozygotes.

Submissions (2):

Ambry Genetics
Classification: Uncertain significance. Last evaluated: 2025-08-22. Review status: criteria provided, single submitter. Criteria: Ambry Variant Classification Scheme 2023. Collection method: clinical testing. Allele origin: germline.

Labcorp Genetics (formerly Invitae), Labcorp
Classification: Uncertain significance. Last evaluated: 2022-09-19. Review status: criteria provided, single submitter. Criteria: Invitae Variant Classification Sherloc (09022015). Collection method: clinical testing. Allele origin: germline.
Comment: This sequence change replaces valine, which is neutral and non-polar, with isoleucine, which is neutral and non-polar, at codon 225 of the RDH11 protein (p.Val225Ile). This variant is present in population databases (rs200511286, gnomAD 0.02%). This variant has not been reported in the literature in individuals affected with RDH11-related conditions. ClinVar contains an entry for this variant (Variation ID: 1013999). Algorithms developed to predict the effect of missense changes on protein structure and function output the following: SIFT: "Tolerated"; PolyPhen-2: "Benign"; Align-GVGD: "Class C0". The isoleucine amino acid residue is found in multiple mammalian species, which suggests that this missense change does not adversely affect protein function. In summary, the available evidence is currently insufficient to determine the role of this variant in disease. Therefore, it has been classified as a Variant of Uncertain Significance.